The following is an entry in ClinVar:

ClinVar aggregate classification (germline): Pathogenic (1 of 4 stars; one submission).

Allele frequency attached by ClinVar (database versions not stated): gnomAD exomes below 0.00001; TOPMed below 0.00001.

Submission:

Athena Diagnostics
Classification: Pathogenic. Last evaluated: 2021-01-15. Review status: criteria provided, single submitter. Criteria: Athena Diagnostics criteria. Collection method: clinical testing. Allele origin: unknown.
Comment: This variant is expected to result in the loss of a functional protein. This variant has not been reported in large, multi-ethnic general populations. This variant has been identified in at least one individual with clinical features associated with this gene.

NM_182961.4(SYNE1):c.14204del (p.Gln4735fs)

Gene: SYNE1 (spectrin repeat containing nuclear envelope protein 1; minus strand). Cytogenetic location: 6q25.2.
Variant type: Deletion.
Coding change: c.14204del on transcript NM_182961.4 (MANE Select); coding-DNA position 14204, one base deleted (A; older notation c.14204delA).
Protein change: p.Gln4735fs; shifts the reading frame from glutamine 4735.
Molecular consequence: frameshift variant.
Genome position (GRCh38, 1-based): chr6:152,330,481, T deleted on the plus strand (A on the coding strand, the reverse complement: SYNE1 is on the minus strand). VCF-style (leftmost placement, unchanged base first): chr6-152330480-CT-C. GRCh37 (hg19) VCF-style: chr6-152651615-CT-C.
Other names: c.13991del, p.Gln4664fs (NM_033071.5); short protein forms Q4664fs, Q4735fs.
Identifiers: ClinVar variation 1256356 (VCV001256356.1), dbSNP rs1764145184, ClinGen allele CA1673273819.